The following is an entry in ClinVar:

NM_004115.4(FGF14):c.705G>T (p.Met235Ile)

Gene: FGF14 (fibroblast growth factor 14; minus strand). Cytogenetic location: 13q33.1.
Variant type: single nucleotide variant.
Coding change: c.705G>T on transcript NM_004115.4 (MANE Select); coding-DNA position 705, G replaced by T.
Protein change: p.Met235Ile; replaces methionine 235 with isoleucine.
Molecular consequence: missense variant.
Genome position (GRCh38, 1-based): chr13:101,722,870, C>A on the plus strand (G>T on the coding strand, the complement: FGF14 is on the minus strand). VCF-style: chr13-101722870-C-A. GRCh37 (hg19) VCF-style: chr13-102375220-C-A.
Other names: c.453G>T, p.Met151Ile (NM_001321931.1, NM_001321934.1, NM_001321935.1 and 4 more transcripts); c.516G>T, p.Met172Ile (NM_001321932.1, NM_001321936.1, NM_001321944.1); c.525G>T, p.Met175Ile (NM_001321933.1, NM_001321938.2, NM_001321940.1); c.609G>T, p.Met203Ile (NM_001321939.2); c.519G>T, p.Met173Ile (NM_001321941.2); c.603G>T, p.Met201Ile (NM_001321945.2, NM_001321948.2, NM_001379342.1); c.564G>T, p.Met188Ile (NM_001321947.2); c.720G>T, p.Met240Ile (NM_175929.3); short protein forms M151I, M172I, M173I, M175I, M188I, M201I, M203I, M235I.
Identifiers: ClinVar variation 3613083 (VCV003613083.2).

ClinVar aggregate classification (germline): Uncertain significance (1 of 4 stars; one submission).

Submission:

Labcorp Genetics (formerly Invitae), Labcorp
Classification: Uncertain significance. Last evaluated: 2024-10-27. Review status: criteria provided, single submitter. Criteria: Invitae Variant Classification Sherloc (09022015). Collection method: clinical testing. Allele origin: germline.
Comment: This sequence change replaces methionine, which is neutral and non-polar, with isoleucine, which is neutral and non-polar, at codon 235 of the FGF14 protein (p.Met235Ile). This variant is not present in population databases (gnomAD no frequency). This variant has not been reported in the literature in individuals affected with FGF14-related conditions. An algorithm developed to predict the effect of missense changes on protein structure and function (PolyPhen-2) suggests that this variant is likely to be tolerated. In summary, the available evidence is currently insufficient to determine the role of this variant in disease. Therefore, it has been classified as a Variant of Uncertain Significance.